The following is an entry in ClinVar:

NM_001130438.3(SPTAN1):c.442G>A (p.Ala148Thr)

Gene: SPTAN1 (spectrin alpha, non-erythrocytic 1; plus strand). Cytogenetic location: 9q34.11.
Variant type: single nucleotide variant.
Coding change: c.442G>A on transcript NM_001130438.3 (MANE Select); coding-DNA position 442, G replaced by A.
Protein change: p.Ala148Thr; replaces alanine 148 with threonine.
Molecular consequence: missense variant.
Genome position (GRCh38, 1-based): chr9:128,574,753, G>A. VCF-style: chr9-128574753-G-A. GRCh37 (hg19) VCF-style: chr9-131337032-G-A.
Other names: c.442G>A, p.Ala148Thr (NM_001195532.2, NM_001363759.2, NM_001363765.2 and 5 more transcripts); c.478G>A, p.Ala160Thr (NM_001375312.2, NM_001375318.1); short protein forms A148T, A160T.
Identifiers: ClinVar variation 1061552 (VCV001061552.6), dbSNP rs1190475290, ClinGen allele CA375052566.

ClinVar aggregate classification (germline): Uncertain significance (1 of 4 stars; one submission).

Conditions:
Early-infantile DEE. Also called: Ohtahara syndrome; Early infantile epileptic encephalopathy with suppression bursts; Early infantile epileptic encephalopathy. Identifiers: Orphanet 1934, MedGen C0393706, MONDO:0800491.

Allele frequency attached by ClinVar (database versions not stated): TOPMed below 0.00001; gnomAD exomes 0.00001.
gnomAD v4.1: 3 of 1,614,180 alleles (0.00019%); highest among the groups gnomAD compares: Non-Finnish European, 0.00025%; no homozygotes.

Submission:

Labcorp Genetics (formerly Invitae), Labcorp
Classification: Uncertain significance for Early-infantile DEE. Last evaluated: 2025-07-21. Review status: criteria provided, single submitter. Criteria: Invitae Variant Classification Sherloc (09022015). Collection method: clinical testing. Allele origin: germline.
Comment: This sequence change replaces alanine, which is neutral and non-polar, with threonine, which is neutral and polar, at codon 148 of the SPTAN1 protein (p.Ala148Thr). This variant is not present in population databases (gnomAD no frequency). This variant has not been reported in the literature in individuals affected with SPTAN1-related conditions. ClinVar contains an entry for this variant (Variation ID: 1061552). Invitae Evidence Modeling of protein sequence and biophysical properties (such as structural, functional, and spatial information, amino acid conservation, physicochemical variation, residue mobility, and thermodynamic stability) has been performed for this missense variant. However, the output from this modeling did not meet the statistical confidence thresholds required to predict the impact of this variant on SPTAN1 protein function. In summary, the available evidence is currently insufficient to determine the role of this variant in disease. Therefore, it has been classified as a Variant of Uncertain Significance.